The following is an entry in ClinVar:

NM_000334.4(SCN4A):c.963C>T (p.Asn321=)

Gene: SCN4A (sodium voltage-gated channel alpha subunit 4; minus strand). Cytogenetic location: 17q23.3.
Variant type: single nucleotide variant.
Coding change: c.963C>T on transcript NM_000334.4 (MANE Select); coding-DNA position 963, C replaced by T.
Protein change: p.Asn321=; no amino-acid change (asparagine 321 retained).
Molecular consequence: synonymous variant.
Genome position (GRCh38, 1-based): chr17:63,968,096, G>A on the plus strand (C>T on the coding strand, the complement: SCN4A is on the minus strand). VCF-style: chr17-63968096-G-A. GRCh37 (hg19) VCF-style: chr17-62045456-G-A.
Identifiers: ClinVar variation 285102 (VCV000285102.21), dbSNP rs748863960, ClinGen allele CA8709985.

ClinVar aggregate classification (germline): Benign/Likely benign. Review status: criteria provided, multiple submitters, no conflicts (2 of 4 stars). 6 submissions from 6 submitters: Benign (3); Likely benign (3). Last evaluated 2026-06-01.

Conditions:
Hyperkalemic periodic paralysis. Also called: Familial hyperkalemic periodic paralysis; Gamstorp disease. Identifiers: Orphanet 682, MedGen C0238357, MONDO:0008224, OMIM 170500, HP:0007215.

Allele frequency attached by ClinVar (database versions not stated): gnomAD exomes 0.00025 and 0.00117; TOPMed 0.00062; ExAC 0.00106; gnomAD 0.00015 and 0.00016.
gnomAD v4.1: 380 of 1,613,804 alleles (0.024%); highest among the groups gnomAD compares: Admixed American, 0.55%; 3 homozygotes.

Submissions (6):

CeGaT Center for Human Genetics Tuebingen
Classification: Likely benign. Last evaluated: 2026-06-01. Review status: criteria provided, single submitter. Criteria: CeGaT Center For Human Genetics Tuebingen Variant Classification Criteria Version 2. Collection method: clinical testing. Allele origin: germline. Affected: yes. Observed: 1 variant allele.
Comment: SCN4A: BP4, BP7

Labcorp Genetics (formerly Invitae), Labcorp
Classification: Benign for Hyperkalemic periodic paralysis. Last evaluated: 2026-01-12. Review status: criteria provided, single submitter. Criteria: Invitae Variant Classification Sherloc (09022015). Collection method: clinical testing. Allele origin: germline.

Blueprint Genetics
Classification: Likely benign. Last evaluated: 2023-06-12. Review status: criteria provided, single submitter. Criteria: ACMG Guidelines, 2015. Collection method: clinical testing. Allele origin: germline.

Athena Diagnostics
Classification: Benign. Last evaluated: 2021-02-10. Review status: criteria provided, single submitter. Criteria: Athena Diagnostics criteria. Collection method: clinical testing. Allele origin: unknown.

GeneDx
Classification: Likely benign. Last evaluated: 2020-09-11. Review status: criteria provided, single submitter. Criteria: GeneDx Variant Classification Process June 2021. Collection method: clinical testing. Allele origin: germline. Affected: yes.

Eurofins Ntd Llc (ga)
Classification: Benign. Last evaluated: 2015-12-09. Review status: criteria provided, single submitter. Criteria: EGL Classification Definitions 2015. Collection method: clinical testing. Allele origin: germline. Observed: 1 variant allele, 1 heterozygote.